The following is an entry in ClinVar:

ClinVar aggregate classification (germline): Pathogenic (1 of 4 stars; one submission).

Submission:

Labcorp Genetics (formerly Invitae), Labcorp
Classification: Pathogenic. Last evaluated: 2019-11-03. Review status: criteria provided, single submitter. Criteria: Invitae Variant Classification Sherloc (09022015). Collection method: clinical testing. Allele origin: germline.
Comment: This variant is a gross deletion of the genomic region encompassing exons 2-3 of the TCIRG1 gene, which includes the initiator codon. The 5' end of this event is unknown as it extends beyond the assayed region for this gene and therefore may encompass additional genes. The 3' boundary is likely confined to intron 3 of the TCIRG1 gene. This is expected to result in an absent or disrupted protein product. This variant has not been reported in the literature in individuals with TCIRG1-related conditions. Loss-of-function variants in TCIRG1 are known to be pathogenic (PMID: 10888887, 10942435, 11532986, 19448635). For these reasons, this variant has been classified as Pathogenic.

NC_000011.10:g.(?_68039120)_(68041841_?)del

Gene: TCIRG1 (T cell immune regulator 1, ATPase H+ transporting V0 subunit a3; plus strand). Cytogenetic location: 11q13.2.
Variant type: Deletion.
Identifiers: ClinVar variation 833178 (VCV000833178.1).